The following is an entry in ClinVar:

ClinVar aggregate classification (germline): Conflicting classifications of pathogenicity. Review status: criteria provided, conflicting classifications (1 of 4 stars). 4 submissions from 4 submitters: Uncertain significance (1); Benign (1); Likely benign (1). 1 of the submissions does not count toward it. Last evaluated 2025-04-27.

Conditions:
KLHL24-related disorder. Also called: KLHL24-related condition.
Inborn genetic diseases. Identifiers: MedGen C0950123, MeSH D030342.

Allele frequency attached by ClinVar (database versions not stated): gnomAD 0.00040; TOPMed 0.00040; ExAC 0.00074; 1000 Genomes Project 30x 0.00109; 1000 Genomes Project 0.00140.

Submissions (4):

Labcorp Genetics (formerly Invitae), Labcorp
Classification: Benign. Last evaluated: 2025-04-27. Review status: criteria provided, single submitter. Criteria: Invitae Variant Classification Sherloc (09022015). Collection method: clinical testing. Allele origin: germline.

Blueprint Genetics
Classification: Likely benign. Last evaluated: 2024-10-28. Review status: criteria provided, single submitter. Criteria: ACMG Guidelines, 2015. Collection method: clinical testing. Allele origin: germline.

Ambry Genetics
Classification: Uncertain significance for Inborn genetic diseases. Last evaluated: 2022-05-27. Review status: criteria provided, single submitter. Criteria: Ambry Variant Classification Scheme 2023. Collection method: clinical testing. Allele origin: germline.

PreventionGenetics, part of Exact Sciences
Classification: Benign for KLHL24-related condition. Last evaluated: 2024-06-25. Review status: no assertion criteria provided. Collection method: clinical testing. Allele origin: germline. Not counted in ClinVar's aggregate classification.
Comment: This variant is classified as benign based on ACMG/AMP sequence variant interpretation guidelines (Richards et al. 2015 PMID: 25741868, with internal and published modifications).

NM_017644.3(KLHL24):c.1702G>T (p.Ala568Ser)

Gene: KLHL24 (kelch like family member 24; plus strand). Cytogenetic location: 3q27.1.
Variant type: single nucleotide variant.
Coding change: c.1702G>T on transcript NM_017644.3 (MANE Select); coding-DNA position 1702, G replaced by T.
Protein change: p.Ala568Ser; replaces alanine 568 with serine.
Molecular consequence: missense variant. On other transcripts: non-coding transcript variant (2).
Genome position (GRCh38, 1-based): chr3:183,679,185, G>T. VCF-style: chr3-183679185-G-T. GRCh37 (hg19) VCF-style: chr3-183396973-G-T.
Other names: c.1777G>T, p.Ala593Ser (NM_001349413.1, NM_001349414.1, NM_001349415.1 and 4 more transcripts); c.1702G>T, p.Ala568Ser (NM_001349419.1, NM_001349420.1, NM_001349421.1 and 5 more transcripts); c.859G>T, p.Ala287Ser (NM_001349428.1, NM_001349429.1); short protein forms A287S, A568S, A593S.
Identifiers: ClinVar variation 2048237 (VCV002048237.8), dbSNP rs117473658, ClinGen allele CA2721814.